The following is an entry in ClinVar:

NM_001042432.2(CLN3):c.386_387delinsCT (p.Leu129Pro)

Gene: CLN3 (CLN3 lysosomal/endosomal transmembrane protein, battenin; minus strand). Cytogenetic location: 16p12.1.
Variant type: Indel.
Coding change: c.386_387delinsCT on transcript NM_001042432.2 (MANE Select); coding-DNA positions 386 to 387, TC replaced by CT.
Protein change: p.Leu129Pro; replaces leucine 129 with proline.
Molecular consequence: missense variant.
Genome position (GRCh38, 1-based): chr16:28,487,529-28,487,530, GA replaced by AG on the plus strand (TC replaced by CT on the coding strand, the reverse complement: CLN3 is on the minus strand). VCF-style: chr16-28487529-GA-AG. GRCh37 (hg19) VCF-style: chr16-28498850-GA-AG.
Other names: c.386_387delinsCT, p.Leu129Pro (NM_000086.2); c.314_315delinsCT, p.Leu105Pro (NM_001286104.2); c.86_87delinsCT, p.Leu29Pro (NM_001286105.2); c.152_153delinsCT, p.Leu51Pro (NM_001286109.2); c.224_225delinsCT, p.Leu75Pro (NM_001286110.2); short protein forms L105P, L129P, L75P, L29P, L51P.
Identifiers: ClinVar variation 2112341 (VCV002112341.4), dbSNP rs2506492698, ClinGen allele CA2580091406.

ClinVar aggregate classification (germline): Uncertain significance (1 of 4 stars; one submission).

Conditions:
Neuronal ceroid lipofuscinosis. Also called: Neuronal Ceroid Lipofuscinoses. Identifiers: Orphanet 216, Orphanet 79263, MedGen C0027877, MONDO:0016295. Disease mechanism: loss of function.

Submission:

Labcorp Genetics (formerly Invitae), Labcorp
Classification: Uncertain significance for Neuronal ceroid lipofuscinosis. Last evaluated: 2022-03-15. Review status: criteria provided, single submitter. Criteria: Invitae Variant Classification Sherloc (09022015). Collection method: clinical testing. Allele origin: germline.
Comment: This sequence change replaces leucine, which is neutral and non-polar, with proline, which is neutral and non-polar, at codon 129 of the CLN3 protein (p.Leu129Pro). Information on the frequency of this variant in the gnomAD database is not available, as this variant may be reported differently in the database. This variant has not been reported in the literature in individuals affected with CLN3-related conditions. Algorithms developed to predict the effect of missense changes on protein structure and function are either unavailable or do not agree on the potential impact of this missense change (SIFT: "Not Available"; PolyPhen-2: "Possibly Damaging"; Align-GVGD: "Not Available"). In summary, the available evidence is currently insufficient to determine the role of this variant in disease. Therefore, it has been classified as a Variant of Uncertain Significance.